The following is an entry in ClinVar:

ClinVar aggregate classification (germline): Uncertain significance. Review status: criteria provided, single submitter (1 of 4 stars). 2 submissions from 2 submitters: Uncertain significance (1). 1 of the submissions does not count toward it. Last evaluated 2022-01-26.

Conditions:
Inborn genetic diseases. Identifiers: MedGen C0950123, MeSH D030342.
LAMA5-related disorder. Also called: LAMA5-related condition; LAMA5-Related Disorders.

Allele frequency attached by ClinVar (database versions not stated): 1000 Genomes Project 0.00020; 1000 Genomes Project 30x 0.00031; ExAC 0.00004; gnomAD 0.00007; gnomAD exomes 0.00007; ESP Exome Variant Server 0.00008; TOPMed 0.00008.
gnomAD v4.1: 107 of 1,612,366 alleles (0.0066%); highest among the groups gnomAD compares: Non-Finnish European, 0.007%; no homozygotes.

Submissions (2):

Ambry Genetics
Classification: Uncertain significance for Inborn genetic diseases. Last evaluated: 2022-01-26. Review status: criteria provided, single submitter. Criteria: Ambry Variant Classification Scheme 2023. Collection method: clinical testing. Allele origin: germline.

PreventionGenetics, part of Exact Sciences
Classification: Uncertain significance for LAMA5-related condition. Last evaluated: 2024-03-15. Review status: no assertion criteria provided. Collection method: clinical testing. Allele origin: germline. Not counted in ClinVar's aggregate classification.
Comment: The LAMA5 c.6544G>A variant is predicted to result in the amino acid substitution p.Gly2182Ser. To our knowledge, this variant has not been reported in the literature. This variant is reported in 0.029% of alleles in individuals of Ashkenazi Jewish descent in gnomAD. At this time, the clinical significance of this variant is uncertain due to the absence of conclusive functional and genetic evidence.

NM_005560.6(LAMA5):c.6544G>A (p.Gly2182Ser)

Gene: LAMA5 (laminin subunit alpha 5; minus strand). Cytogenetic location: 20q13.33.
Variant type: single nucleotide variant.
Coding change: c.6544G>A on transcript NM_005560.6 (MANE Select); coding-DNA position 6544, G replaced by A.
Protein change: p.Gly2182Ser; replaces glycine 2182 with serine.
Molecular consequence: missense variant.
Genome position (GRCh38, 1-based): chr20:62,320,843, C>T on the plus strand (G>A on the coding strand, the complement: LAMA5 is on the minus strand). VCF-style: chr20-62320843-C-T. GRCh37 (hg19) VCF-style: chr20-60895899-C-T.
Other names: c.6544G>A (NM_005560.4); short protein forms G2182S.
Identifiers: ClinVar variation 2361879 (VCV002361879.3), dbSNP rs150648433, ClinGen allele CA9941685.
Genomic context (GRCh38, chr20:62,320,843, plus strand): 5'-AGGCCATGGAGCTGGCATTGATGCCACGCAGTTGCTCGTGAATGGCGGGGAGGAGGGCGC[C>T]GGCCCGTTCCAGGTCATCCAGGAGCAGGACCACACAGTGGTCACACACTGCAGGCGATGT-3'
Protein context (NP_005551.3, residues 2172-2192): VLLLDDLERA[Gly2182Ser]ALLPAIHEQL